The following is an entry in ClinVar:

NM_019066.5(MAGEL2):c.2775A>C (p.Gln925His)

Gene: MAGEL2 (MAGE family member L2; minus strand). Cytogenetic location: 15q11.2.
Variant type: single nucleotide variant.
Coding change: c.2775A>C on transcript NM_019066.5 (MANE Select); coding-DNA position 2775, A replaced by C.
Protein change: p.Gln925His; replaces glutamine 925 with histidine.
Molecular consequence: missense variant.
Genome position (GRCh38, 1-based): chr15:23,644,968, T>G on the plus strand (A>C on the coding strand, the complement: MAGEL2 is on the minus strand). VCF-style: chr15-23644968-T-G. GRCh37 (hg19) VCF-style: chr15-23890115-T-G.
Other names: short protein forms Q925H.
Identifiers: ClinVar variation 4989711 (VCV004989711.1).

ClinVar aggregate classification (germline): Uncertain significance (1 of 4 stars; one submission).

Conditions:
MAGEL2-related disorder. Also called: MAGEL2-related condition.

gnomAD v4.1: 2 of 1,613,786 alleles (0.00012%); highest among the groups gnomAD compares: Non-Finnish European, 0.000085%; no homozygotes.

Submission:

PreventionGenetics, part of Exact Sciences
Classification: Uncertain significance for MAGEL2-related condition. Last evaluated: 2025-10-15. Review status: criteria provided, single submitter. Criteria: ACMG Guidelines, 2015. Collection method: clinical testing. Allele origin: germline.
Comment: The MAGEL2 c.2775A>C variant is predicted to result in the amino acid substitution p.Gln925His. To our knowledge, this variant has not been reported in the literature or in a large population database (gnomAD), indicating this variant is rare. At this time, the clinical significance of this variant is uncertain due to the absence of conclusive functional and genetic evidence.